The following is an entry in ClinVar:

ClinVar aggregate classification (germline): Uncertain significance (1 of 4 stars; one submission).

Allele frequency attached by ClinVar (database versions not stated): gnomAD exomes below 0.00001.
gnomAD v4.1: 3 of 1,613,858 alleles (0.00019%); highest among the groups gnomAD compares: East Asian, 0.0022%; no homozygotes.

Submission:

Labcorp Genetics (formerly Invitae), Labcorp
Classification: Uncertain significance. Last evaluated: 2022-06-07. Review status: criteria provided, single submitter. Criteria: Invitae Variant Classification Sherloc (09022015). Collection method: clinical testing. Allele origin: germline.
Comment: This sequence change affects codon 604 of the PDE10A mRNA. It is a 'silent' change, meaning that it does not change the encoded amino acid sequence of the PDE10A protein. This variant also falls at the last nucleotide of exon 17, which is part of the consensus splice site for this exon. This variant is present in population databases (no rsID available, gnomAD 0.003%). This variant has not been reported in the literature in individuals affected with PDE10A-related conditions. Variants that disrupt the consensus splice site are a relatively common cause of aberrant splicing (PMID: 17576681, 9536098). Algorithms developed to predict the effect of sequence changes on RNA splicing suggest that this variant is not likely to affect RNA splicing. In summary, the available evidence is currently insufficient to determine the role of this variant in disease. Therefore, it has been classified as a Variant of Uncertain Significance.

Literature cited by the submitters: PubMed 17576681; PubMed 9536098.

NM_001385079.1(PDE10A):c.2610G>A (p.Gln870=)

Gene: PDE10A (phosphodiesterase 10A; minus strand). Cytogenetic location: 6q27.
Variant type: single nucleotide variant.
Coding change: c.2610G>A on transcript NM_001385079.1 (MANE Select); coding-DNA position 2610, G replaced by A.
Protein change: p.Gln870=; no amino-acid change (glutamine 870 retained).
Molecular consequence: synonymous variant.
Genome position (GRCh38, 1-based): chr6:165,388,298, C>T on the plus strand (G>A on the coding strand, the complement: PDE10A is on the minus strand). VCF-style: chr6-165388298-C-T. GRCh37 (hg19) VCF-style: chr6-165801787-C-T.
Other names: c.1812G>A, p.Gln604= (NM_001130690.3); c.1782G>A, p.Gln594= (NM_006661.4).
Identifiers: ClinVar variation 2000129 (VCV002000129.4), dbSNP rs1033417971, ClinGen allele CA453050403.
Genomic context (GRCh38, chr6:165,388,298, plus strand): 5'-GTATCCCTATCTCCCAGACAGCCCTTCAGACTAAGCGAGAGACGGCGTGCAGTGACTCAC[C>T]TGGAGGATGGACACAGTCTGGGAGAAGTGGTGCTGCTCCATGGTGGAAGTGGAGTAGAGA-3'
Protein context (NP_001372008.1, residues 860-880): HHFSQTVSIL[Gln870=]LEGHNIFSTL